The following is an entry in ClinVar:

ClinVar aggregate classification (germline): Uncertain significance (1 of 4 stars; one submission).

Conditions:
Primary dilated cardiomyopathy (DCM). Also called: Dilated Cardiomyopathy. Identifiers: Orphanet 217604, MedGen C0007193, MeSH D002311, MONDO:0005021, HP:0001644. Inheritance: Various modes of inheritance.

Allele frequency attached by ClinVar (database versions not stated): gnomAD 0.00001.
gnomAD v4.1: 1 of 1,613,898 alleles (0.000062%); highest among the groups gnomAD compares: African/African-American, 0.0013%; no homozygotes.

Submission:

Labcorp Genetics (formerly Invitae), Labcorp
Classification: Uncertain significance for Primary dilated cardiomyopathy. Last evaluated: 2023-12-19. Review status: criteria provided, single submitter. Criteria: Invitae Variant Classification Sherloc (09022015). Collection method: clinical testing. Allele origin: germline.
Comment: This sequence change replaces lysine, which is basic and polar, with isoleucine, which is neutral and non-polar, at codon 822 of the NEBL protein (p.Lys822Ile). This variant is present in population databases (no rsID available, gnomAD 0.01%). This variant has not been reported in the literature in individuals affected with NEBL-related conditions. An algorithm developed to predict the effect of missense changes on protein structure and function (PolyPhen-2) suggests that this variant is likely to be disruptive. In summary, the available evidence is currently insufficient to determine the role of this variant in disease. Therefore, it has been classified as a Variant of Uncertain Significance.

NM_006393.3(NEBL):c.2465A>T (p.Lys822Ile)

Gene: NEBL (nebulette; minus strand). Cytogenetic location: 10p12.31.
Variant type: single nucleotide variant.
Coding change: c.2465A>T on transcript NM_006393.3 (MANE Select); coding-DNA position 2465, A replaced by T.
Protein change: p.Lys822Ile; replaces lysine 822 with isoleucine.
Molecular consequence: missense variant.
Genome position (GRCh38, 1-based): chr10:20,812,822, T>A on the plus strand (A>T on the coding strand, the complement: NEBL is on the minus strand). VCF-style: chr10-20812822-T-A. GRCh37 (hg19) VCF-style: chr10-21101751-T-A.
Other names: c.476A>T, p.Lys159Ile (NM_001173484.2, NM_001377322.1, NM_213569.2); c.428A>T, p.Lys143Ile (NM_001377323.1); c.419A>T, p.Lys140Ile (NM_001377324.1); c.410A>T, p.Lys137Ile (NM_001377325.1); c.368A>T, p.Lys123Ile (NM_001377326.1, NM_001377327.1, NM_001377328.1); short protein forms K123I, K140I, K159I, K137I, K143I, K822I.
Identifiers: ClinVar variation 2704142 (VCV002704142.3), dbSNP rs1398672839, ClinGen allele CA376093284.